The following is an entry in ClinVar:

NM_007194.4(CHEK2):c.219_223del (p.Ser73_Ile74insTer)

Gene: CHEK2 (checkpoint kinase 2; minus strand). Cytogenetic location: 22q12.1.
Variant type: Microsatellite.
Coding change: c.219_223del on transcript NM_007194.4 (MANE Select); coding-DNA positions 219 to 223, 5 bases deleted (TATTC; older notation c.219_223delTATTC).
Protein change: p.Ser73_Ile74insTer.
Molecular consequence: frameshift variant. On other transcripts: nonsense (3).
Genome position (GRCh38, 1-based): chr22:28,734,499-28,734,503, GAATA deleted on the plus strand (TATTC on the coding strand, the reverse complement: CHEK2 is on the minus strand); deleting any 5 consecutive bases within chr22:28,734,499-28,734,510 gives the same sequence; the c. name uses the placement nearest the transcript's 3' end. VCF-style (leftmost placement, unchanged base first): chr22-28734498-GGAATA-G. GRCh37 (hg19) VCF-style: chr22-29130486-GGAATA-G.
Other names: c.212_216TCTAT[1], p.Ile74Terfs (NM_001005735.3, NM_001349956.3, NM_145862.3); c.-566_-562TCTAT[1] (NM_001257387.3).
Identifiers: ClinVar variation 460817 (VCV000460817.24), dbSNP rs766416564, ClinGen allele CA10168057.
Genomic context (GRCh38, chr22:28,734,498, plus strand): 5'-CGAGCCCAGGGGGCAGGGGTAGGCTCCTCAGGTTCTTGGTCCTCAGGTTCTTGGTCCTCA[GGAATA>G]GAATAGAGTTCCTGAGTGGACACTGTCTCTAAGGAGCTCAGTGTCCCAGAGCTGGAGTGA-3'

ClinVar aggregate classification (germline): Pathogenic/Likely pathogenic. Review status: criteria provided, multiple submitters, no conflicts (2 of 4 stars). 8 submissions from 7 submitters: Pathogenic (6); Likely pathogenic (1). 1 of the submissions does not count toward it. Last evaluated 2025-11-23.

Conditions:
CHEK2-related disorder.
Hereditary cancer-predisposing syndrome. Also called: Neoplastic Syndromes, Hereditary; Hereditary Cancer Syndrome; Hereditary neoplastic syndrome; Tumor predisposition. Identifiers: Orphanet 140162, MedGen C0027672, MeSH D009386, MONDO:0015356.
Familial cancer of breast. Also called: hereditary breast carcinoma; Hereditary breast cancer; BREAST CANCER, FAMILIAL. Identifiers: Orphanet 227535, MedGen C0346153, MONDO:0016419, OMIM 114480. Disease mechanism: loss of function.
CHEK2-related cancer predisposition (TPDS4). Also called: TUMOR PREDISPOSITION SYNDROME 4; CANCER PREDISPOSITION SYNDROME, CHEK2-RELATED; CHEK2-related cancer susceptibility. Identifiers: Orphanet 524, MedGen C5882668, MONDO:0700271, OMIM 609265.
Malignant tumor of breast. Also called: Malignant breast neoplasm; Cancer breast. Identifiers: MedGen C0006142, MONDO:0007254. Disease mechanism: loss of function.

Submissions (8):

Labcorp Genetics (formerly Invitae), Labcorp
Classification: Pathogenic for Familial cancer of breast. Last evaluated: 2025-11-23. Review status: criteria provided, single submitter. Criteria: Invitae Variant Classification Sherloc (09022015). Collection method: clinical testing. Allele origin: germline.
Comment: This sequence change creates a premature translational stop signal (p.Ile74*) in the CHEK2 gene. It is expected to result in an absent or disrupted protein product. Loss-of-function variants in CHEK2 are known to be pathogenic (PMID: 21876083, 24713400). This variant is present in population databases (rs766416564, gnomAD 0.002%). This variant has not been reported in the literature in individuals affected with CHEK2-related conditions. ClinVar contains an entry for this variant (Variation ID: 460817). For these reasons, this variant has been classified as Pathogenic.

Color Diagnostics, LLC DBA Color Health
Classification: Pathogenic for Hereditary cancer-predisposing syndrome. Last evaluated: 2024-12-23. Review status: criteria provided, single submitter. Criteria: ACMG Guidelines, 2015. Collection method: clinical testing. Allele origin: germline.
Comment: This variant deletes 5 nucleotides in exon 2 of the CHEK2 gene, creating a frameshift and premature translation stop signal. This variant is expected to result in an absent or non-functional protein product. To our knowledge, this variant has not been reported in individuals affected with hereditary cancer in the literature. This variant has been identified in 2/251472 chromosomes in the general population by the Genome Aggregation Database (gnomAD). Loss of CHEK2 function is a known mechanism of disease. Based on the available evidence, this variant is classified as Pathogenic.

Ambry Genetics
Classification: Pathogenic for Hereditary cancer-predisposing syndrome. Last evaluated: 2024-01-31. Review status: criteria provided, single submitter. Criteria: Ambry Variant Classification Scheme 2023. Collection method: clinical testing. Allele origin: germline.
Comment: The c.219_223delTATTC pathogenic mutation, located in coding exon 1 of the CHEK2 gene, results from a deletion of 5 nucleotides at nucleotide positions 219 to 223, causing a translational frameshift with a predicted alternate stop codon (p.I74*). This variant is considered to be rare based on population cohorts in the Genome Aggregation Database (gnomAD). This alteration is expected to result in loss of function by premature protein truncation or nonsense-mediated mRNA decay. As such, this alteration is interpreted as a disease-causing mutation.

Myriad Genetics, Inc.
Classification: Pathogenic for Familial cancer of breast. Last evaluated: 2023-06-22. Review status: criteria provided, single submitter. Criteria: Myriad Autosomal Dominant, Autosomal Recessive and X-Linked Classification Criteria (2023). Collection method: clinical testing. Allele origin: unknown.
Comment: This variant is considered pathogenic. This variant creates a termination codon and is predicted to result in premature protein truncation.

Blueprint Genetics
Classification: Likely pathogenic for CHEK2-related disorders. Last evaluated: 2019-12-21. Review status: criteria provided, single submitter. Criteria: ACMG Guidelines, 2015. Collection method: clinical testing. Allele origin: germline. Affected: yes. Observed: 1 variant allele.

Department of Pathology and Laboratory Medicine, Sinai Health System
Classification: Pathogenic for CHEK2-related cancer predisposition. Last evaluated: 2018-07-06. Review status: criteria provided, single submitter. Criteria: ACMG Guidelines, 2015. Collection method: clinical testing. Allele origin: germline. Affected: yes.

University Health Network, Familial Cancer Clinic, Princess Margaret Cancer Centre
Classification: Pathogenic for CHEK2-related cancer predisposition. Review status: criteria provided, single submitter. Criteria: ACMG Guidelines, 2015. Collection method: clinical testing. Allele origin: germline. Inheritance: Autosomal dominant inheritance. Affected: yes. Observed: 1 variant allele.

Department of Pathology and Laboratory Medicine, Sinai Health System
Classification: Pathogenic for Malignant tumor of breast. Review status: no assertion criteria provided. Collection method: clinical testing. Allele origin: unknown. Affected: yes. Study: The Canadian Open Genetics Repository (COGR). Not counted in ClinVar's aggregate classification.
Comment: The CHEK2 p.Ile74* variant was not identified in the literature nor was it identified in the Cosmic, or Zhejiang University databases. The variant was identified in dbSNP (ID: rs766416564), and in ClinVar (classified as pathogenic by Invitae, Ambry Genetics). The variant was not identified in the following control databases: the 1000 Genomes Project, the NHLBI GO Exome Sequencing Project, the Exome Aggregation Consortium (August 8th 2016), or the Genome Aggregation Database (Feb 27, 2017). The c.219_223del variant leads to a premature stop codon at position 74 which is predicted to lead to a truncated or absent protein and loss of function. Loss of function variants of the CHEK2 gene are an established mechanism of disease in CHEK2 associated cancers and is the type of variant expected to cause the disorder. In summary, based on the above information this variant meets our laboratoryâ€šÃ„Ã´s criteria to be classified as pathogenic.

Literature cited by the submitters: PubMed 21876083 (cited by Labcorp Genetics (formerly Invitae), Labcorp); PubMed 24713400 (cited by Labcorp Genetics (formerly Invitae), Labcorp).